The following is an entry in ClinVar:

ClinVar aggregate classification (germline): Likely pathogenic (1 of 4 stars; one submission).

Conditions:
Autosomal recessive limb-girdle muscular dystrophy type 2J (LGMDR10). Also called: MUSCULAR DYSTROPHY, LIMB-GIRDLE, AUTOSOMAL RECESSIVE 10; Limb-girdle muscular dystrophy, type 2J. Identifiers: Orphanet 140922, MedGen C1837342, MONDO:0012127, OMIM 608807.
Dilated cardiomyopathy 1G (CMD1G). Identifiers: Orphanet 154, MedGen C1858763, MONDO:0011400, OMIM 604145.

Submission:

Labcorp Genetics (formerly Invitae), Labcorp
Classification: Likely pathogenic for Dilated cardiomyopathy 1G; Autosomal recessive limb-girdle muscular dystrophy type 2J. Last evaluated: 2025-05-12. Review status: criteria provided, single submitter. Criteria: Invitae Variant Classification Sherloc (09022015). Collection method: clinical testing. Allele origin: germline.
Comment: This sequence change creates a premature translational stop signal (p.Ser19887Valfs*55) in the TTN gene. While this is not anticipated to result in nonsense mediated decay, it is expected to create a truncated TTN protein. This variant is not present in population databases (gnomAD no frequency). This variant has not been reported in the literature in individuals affected with TTN-related conditions. This variant is located in the A band of TTN (PMID: 25589632). Truncating variants in this region are significantly overrepresented in patients affected with dilated cardiomyopathy (PMID: 25589632). Truncating variants in this region have also been reported in individuals affected with autosomal recessive centronuclear myopathy (PMID: 23975875). In summary, the currently available evidence indicates that the variant is pathogenic, but additional data are needed to prove that conclusively. Therefore, this variant has been classified as Likely Pathogenic.

Literature cited by the submitters: PubMed 25589632; PubMed 23975875.

NM_001267550.2(TTN):c.59659del (p.Ser19887fs)

Genes: TTN-AS1 (TTN antisense RNA 1; plus strand), TTN (titin; minus strand), LOC126806424 (CDK7 strongly-dependent group 2 enhancer GRCh37_chr2:179456337-179457536; plus strand). Cytogenetic location: 2q31.2.
Variant type: Deletion.
Coding change: c.59659del on transcript NM_001267550.2 (MANE Select); coding-DNA position 59659, one base deleted (A; older notation c.59659delA).
Protein change: p.Ser19887fs; shifts the reading frame from serine 19887.
Molecular consequence: frameshift variant.
Genome position (GRCh38, 1-based): chr2:178,592,245, T deleted on the plus strand (A on the coding strand, the reverse complement: TTN is on the minus strand). VCF-style (leftmost placement, unchanged base first): chr2-178592244-CT-C. GRCh37 (hg19) VCF-style: chr2-179456971-CT-C.
Other names: c.54736del, p.Ser18246fs (NM_001256850.1); c.32464del, p.Ser10822fs (NM_003319.4); c.51955del, p.Ser17319fs (NM_133378.4); c.32839del, p.Ser10947fs (NM_133432.3); c.33040del, p.Ser11014fs (NM_133437.4); short protein forms S10822fs, S10947fs, S19887fs, S11014fs, S17319fs, S18246fs.
Identifiers: ClinVar variation 4793332 (VCV004793332.1).